The following is an entry in ClinVar:

NM_000092.5(COL4A4):c.490-72T>A

Gene: COL4A4 (collagen type IV alpha 4 chain; minus strand). Cytogenetic location: 2q36.3.
Variant type: single nucleotide variant.
Coding change: c.490-72T>A on transcript NM_000092.5 (MANE Select); 72 bases into the intron before coding-DNA position 490, T replaced by A.
Molecular consequence: intron variant.
Genome position (GRCh38, 1-based): chr2:227,114,768, A>T on the plus strand (T>A on the coding strand, the complement: COL4A4 is on the minus strand). VCF-style: chr2-227114768-A-T. GRCh37 (hg19) VCF-style: chr2-227979484-A-T.
Identifiers: ClinVar variation 683309 (VCV000683309.2), dbSNP rs62277803, ClinGen allele CA66572778.
Genomic context (GRCh38, chr2:227,114,768, plus strand): 5'-ATATGTATGTACTTAACAGGAAAATAGCATATTACCATTTCAGTATTTTCTTTTCTATAT[A>T]AAATATAACTCATCAGTTAAAATTACCATTATTGACATGATTAACAAGAAGACATTTCTG-3'

ClinVar aggregate classification (germline): Likely benign. Review status: criteria provided, multiple submitters, no conflicts (2 of 4 stars). 2 submissions from 2 submitters: Likely benign (2). Last evaluated 2018-06-16.

Allele frequency attached by ClinVar (database versions not stated): 1000 Genomes Project 0.00978; 1000 Genomes Project 30x 0.00999; gnomAD 0.02009 and 0.02059; TOPMed 0.02068; gnomAD exomes 0.02506.
gnomAD v4.1: 29,082 of 1,196,026 alleles (2.4%); highest among the groups gnomAD compares: Non-Finnish European, 3%; 419 homozygotes.

Submissions (2):

GeneDx
Classification: Likely benign. Last evaluated: 2018-06-16. Review status: criteria provided, single submitter. Criteria: GeneDx Variant Classification (06012015). Collection method: clinical testing. Allele origin: germline. Affected: yes.
Comment: This variant is considered likely benign or benign based on one or more of the following criteria: it is a conservative change, it occurs at a poorly conserved position in the protein, it is predicted to be benign by multiple in silico algorithms, and/or has population frequency not consistent with disease.

Breakthrough Genomics
Classification: Likely benign. Review status: criteria provided, single submitter. Criteria: ACMG Guidelines, 2015. Collection method: not provided. Allele origin: germline. Inheritance: Autosomal recessive inheritance. Affected: yes.